The following is an entry in ClinVar:

NM_001127222.2(CACNA1A):c.5000del (p.Leu1667fs)

Gene: CACNA1A (calcium voltage-gated channel subunit alpha1 A; minus strand). Cytogenetic location: 19p13.13.
Variant type: Deletion.
Coding change: c.5000del on transcript NM_001127222.2 (MANE Select); coding-DNA position 5000, one base deleted (T; older notation c.5000delT).
Protein change: p.Leu1667fs; shifts the reading frame from leucine 1667.
Molecular consequence: frameshift variant.
Genome position (GRCh38, 1-based): chr19:13,235,681, A deleted on the plus strand (T on the coding strand, the reverse complement: CACNA1A is on the minus strand). VCF-style (leftmost placement, unchanged base first): chr19-13235680-GA-G. GRCh37 (hg19) VCF-style: chr19-13346494-GA-G.
Other names: c.5018del, p.Leu1673fs (NM_000068.4, NM_023035.3); c.5003del, p.Leu1668fs (NM_001127221.2); c.5009del, p.Leu1670fs (NM_001174080.2); short protein forms L1667fs, L1668fs, L1670fs, L1673fs.
Identifiers: ClinVar variation 3236016 (VCV003236016.1), dbSNP rs2512649411, ClinGen allele CA2825002748.

ClinVar aggregate classification (germline): Pathogenic (1 of 4 stars; one submission).

Conditions:
Episodic ataxia type 2 (EA2). Also called: ACETAZOLAMIDE-RESPONSIVE HEREDITARY PAROXYSMAL CEREBELLAR ATAXIA; ATAXIA, EPISODIC, WITH NYSTAGMUS; ATAXIA, FAMILIAL PAROXYSMAL; CEREBELLAR ATAXIA, PAROXYSMAL, ACETAZOLAMIDE-RESPONSIVE; CEREBELLOPATHY, HEREDITARY PAROXYSMAL; EPISODIC ATAXIA, NYSTAGMUS-ASSOCIATED. Identifiers: Orphanet 97, MedGen C1720416, MONDO:0007163, OMIM 108500.

Submission:

MVZ Medizinische Genetik Mainz
Classification: Pathogenic for Episodic ataxia type 2. Last evaluated: 2023-02-27. Review status: criteria provided, single submitter. Criteria: UK Practice Guidelines For Variant Classification V4 01 2020. Collection method: clinical testing. Allele origin: germline. Inheritance: Autosomal dominant inheritance. Affected: yes. Observed: 1 variant allele.
Comment: ACMG Criteria: PVS1, PM2_SUP, PP4 (ACMG Version 4)